The following is an entry in ClinVar:

NM_004247.4(EFTUD2):c.1192G>A (p.Glu398Lys)

Gene: EFTUD2 (elongation factor Tu GTP binding domain containing 2; minus strand). Cytogenetic location: 17q21.31.
Variant type: single nucleotide variant.
Coding change: c.1192G>A on transcript NM_004247.4 (MANE Select); coding-DNA position 1192, G replaced by A.
Protein change: p.Glu398Lys; replaces glutamic acid 398 with lysine.
Molecular consequence: missense variant.
Genome position (GRCh38, 1-based): chr17:44,865,023, C>T on the plus strand (G>A on the coding strand, the complement: EFTUD2 is on the minus strand). VCF-style: chr17-44865023-C-T. GRCh37 (hg19) VCF-style: chr17-42942391-C-T.
Other names: c.1192G>A (NM_004247.3); c.1087G>A, p.Glu363Lys (NM_001142605.2); c.1192G>A, p.Glu398Lys (NM_001258353.2); c.1162G>A, p.Glu388Lys (NM_001258354.2); short protein forms E388K, E363K, E398K.
Identifiers: ClinVar variation 2909731 (VCV002909731.4), dbSNP rs1219000676, ClinGen allele CA399815374.

ClinVar aggregate classification (germline): Conflicting classifications of pathogenicity. Review status: criteria provided, conflicting classifications (1 of 4 stars). 2 submissions from 2 submitters: Uncertain significance (1); Likely benign (1). Last evaluated 2025-09-02.

Conditions:
Inborn genetic diseases. Identifiers: MedGen C0950123, MeSH D030342.

Allele frequency attached by ClinVar (database versions not stated): gnomAD 0.00001; TOPMed below 0.00001.
gnomAD v4.1: 15 of 1,614,042 alleles (0.00093%); highest among the groups gnomAD compares: Non-Finnish European, 0.0011%; no homozygotes.

Submissions (2):

Labcorp Genetics (formerly Invitae), Labcorp
Classification: Uncertain significance. Last evaluated: 2025-09-02. Review status: criteria provided, single submitter. Criteria: Invitae Variant Classification Sherloc (09022015). Collection method: clinical testing. Allele origin: germline.
Comment: This sequence change replaces glutamic acid, which is acidic and polar, with lysine, which is basic and polar, at codon 398 of the EFTUD2 protein (p.Glu398Lys). This variant is present in population databases (no rsID available, gnomAD 0.002%). This variant has not been reported in the literature in individuals affected with EFTUD2-related conditions. ClinVar contains an entry for this variant (Variation ID: 2909731). Invitae Evidence Modeling of protein sequence and biophysical properties (such as structural, functional, and spatial information, amino acid conservation, physicochemical variation, residue mobility, and thermodynamic stability) indicates that this missense variant is not expected to disrupt EFTUD2 protein function with a negative predictive value of 80%. In summary, the available evidence is currently insufficient to determine the role of this variant in disease. Therefore, it has been classified as a Variant of Uncertain Significance.

Ambry Genetics
Classification: Likely benign for Inborn genetic diseases. Last evaluated: 2023-09-26. Review status: criteria provided, single submitter. Criteria: Ambry Variant Classification Scheme 2023. Collection method: clinical testing. Allele origin: germline.